The following is an entry in ClinVar:

ClinVar aggregate classification (germline): Conflicting classifications of pathogenicity. Review status: criteria provided, conflicting classifications (1 of 4 stars). 3 submissions from 3 submitters: Uncertain significance (1); Benign (1). 1 of the submissions does not count toward it. Last evaluated 2019-12-31.

Conditions:
RIPK4-related disorder. Also called: RIPK4-related condition.
Bartsocas-Papas syndrome 1. Also called: Bartsocas-Papas syndrome; MULTIPLE PTERYGIUM SYNDROME, ASLAN TYPE; PTERYGIUM, POPLITEAL, LETHAL TYPE. Identifiers: Orphanet 1234, MedGen C1849718, MONDO:0009901, OMIM 263650.

Allele frequency attached by ClinVar (database versions not stated): gnomAD exomes 0.00084 and 0.00177; ESP Exome Variant Server 0.00115; ExAC 0.00125; gnomAD 0.00086 and 0.00090; TOPMed 0.00100.
gnomAD v4.1: 1,476 of 1,609,908 alleles (0.092%); highest among the groups gnomAD compares: Non-Finnish European, 0.02%; 19 homozygotes.

Submissions (3):

Labcorp Genetics (formerly Invitae), Labcorp
Classification: Benign. Last evaluated: 2019-12-31. Review status: criteria provided, single submitter. Criteria: Invitae Variant Classification Sherloc (09022015). Collection method: clinical testing. Allele origin: germline.

Illumina Laboratory Services, Illumina
Classification: Uncertain significance for Bartsocas-Papas syndrome 1. Last evaluated: 2018-01-12. Review status: criteria provided, single submitter. Criteria: ICSL Variant Classification Criteria 13 December 2019. Collection method: clinical testing. Allele origin: germline.

PreventionGenetics, part of Exact Sciences
Classification: Benign for RIPK4-related condition. Last evaluated: 2020-05-05. Review status: no assertion criteria provided. Collection method: clinical testing. Allele origin: germline. Not counted in ClinVar's aggregate classification.
Comment: This variant is classified as benign based on ACMG/AMP sequence variant interpretation guidelines (Richards et al. 2015 PMID: 25741868, with internal and published modifications).

NM_020639.3(RIPK4):c.2145C>T (p.His715=)

Gene: RIPK4 (receptor interacting serine/threonine kinase 4; minus strand). Cytogenetic location: 21q22.3.
Variant type: single nucleotide variant.
Coding change: c.2145C>T on transcript NM_020639.3 (MANE Select); coding-DNA position 2145, C replaced by T.
Protein change: p.His715=; no amino-acid change (histidine 715 retained).
Molecular consequence: synonymous variant.
Genome position (GRCh38, 1-based): chr21:41,741,048, G>A on the plus strand (C>T on the coding strand, the complement: RIPK4 is on the minus strand). VCF-style: chr21-41741048-G-A. GRCh37 (hg19) VCF-style: chr21-43161208-G-A.
Identifiers: ClinVar variation 340012 (VCV000340012.11), dbSNP rs61739694, ClinGen allele CA10035118.